The following is an entry in ClinVar:

ClinVar aggregate classification (germline): Uncertain significance (1 of 4 stars; one submission).

Allele frequency attached by ClinVar (database versions not stated): gnomAD 0.00001; gnomAD exomes 0.00001; TOPMed 0.00001; ExAC 0.00005.
gnomAD v4.1: 25 of 1,614,110 alleles (0.0015%); highest among the groups gnomAD compares: East Asian, 0.049%; no homozygotes.

Submission:

Ambry Genetics
Classification: Uncertain significance. Last evaluated: 2024-02-24. Review status: criteria provided, single submitter. Criteria: Ambry Variant Classification Scheme 2023. Collection method: clinical testing. Allele origin: germline.
Comment: The p.D1518G variant (also known as c.4553A>G), located in coding exon 4 of the ALPK2 gene, results from an A to G substitution at nucleotide position 4553. The aspartic acid at codon 1518 is replaced by glycine, an amino acid with similar properties. This amino acid position is conserved. In addition, this alteration is predicted to be tolerated by in silico analysis. Since supporting evidence is limited at this time, the clinical significance of this alteration remains unclear.

NM_052947.4(ALPK2):c.4553A>G (p.Asp1518Gly)

Genes: ALPK2 (alpha kinase 2; minus strand), LOC126862764 (BRD4-independent group 4 enhancer GRCh37_chr18:56202574-56203773; plus strand). Cytogenetic location: 18q21.31.
Variant type: single nucleotide variant.
Coding change: c.4553A>G on transcript NM_052947.4 (MANE Select); coding-DNA position 4553, A replaced by G.
Protein change: p.Asp1518Gly; replaces aspartic acid 1518 with glycine.
Molecular consequence: missense variant.
Genome position (GRCh38, 1-based): chr18:58,535,634, T>C on the plus strand (A>G on the coding strand, the complement: ALPK2 is on the minus strand). VCF-style: chr18-58535634-T-C. GRCh37 (hg19) VCF-style: chr18-56202866-T-C.
Other names: short protein forms D1518G.
Identifiers: ClinVar variation 1741451 (VCV001741451.2), dbSNP rs761255235, ClinGen allele CA8976682.